The following is an entry in ClinVar:

NM_006648.4(WNK2):c.2408C>T (p.Pro803Leu)

Gene: WNK2 (WNK lysine deficient protein kinase 2; plus strand). Cytogenetic location: 9q22.31.
Variant type: single nucleotide variant.
Coding change: c.2408C>T on transcript NM_006648.4 (MANE Select); coding-DNA position 2408, C replaced by T.
Protein change: p.Pro803Leu; replaces proline 803 with leucine.
Molecular consequence: missense variant.
Genome position (GRCh38, 1-based): chr9:93,258,956, C>T. VCF-style: chr9-93258956-C-T. GRCh37 (hg19) VCF-style: chr9-96021238-C-T.
Other names: c.2408C>T, p.Pro803Leu (NM_001282394.3); short protein forms P803L.
Identifiers: ClinVar variation 3817190 (VCV003817190.1).

ClinVar aggregate classification (germline): Uncertain significance (1 of 4 stars; one submission).

Submission:

Ambry Genetics
Classification: Uncertain significance. Last evaluated: 2025-03-01. Review status: criteria provided, single submitter. Criteria: Ambry Variant Classification Scheme 2023. Collection method: clinical testing. Allele origin: germline.
Comment: The p.P803L variant (also known as c.2408C>T), located in coding exon 11 of the WNK2 gene, results from a C to T substitution at nucleotide position 2408. The proline at codon 803 is replaced by leucine, an amino acid with similar properties. This amino acid position is conserved. In addition, this alteration is predicted to be tolerated by in silico analysis. Based on the available evidence, the clinical significance of this variant remains unclear.